The following is an entry in ClinVar:

NM_003482.4(KMT2D):c.8291G>T (p.Gly2764Val)

Gene: KMT2D (lysine methyltransferase 2D; minus strand). Cytogenetic location: 12q13.12.
Variant type: single nucleotide variant.
Coding change: c.8291G>T on transcript NM_003482.4 (MANE Select); coding-DNA position 8291, G replaced by T.
Protein change: p.Gly2764Val; replaces glycine 2764 with valine.
Molecular consequence: missense variant.
Genome position (GRCh38, 1-based): chr12:49,039,297, C>A on the plus strand (G>T on the coding strand, the complement: KMT2D is on the minus strand). VCF-style: chr12-49039297-C-A. GRCh37 (hg19) VCF-style: chr12-49433080-C-A.
Other names: short protein forms G2764V.
Identifiers: ClinVar variation 2912868 (VCV002912868.2), dbSNP rs978954279, ClinGen allele CA236646140.

ClinVar aggregate classification (germline): Uncertain significance (1 of 4 stars; one submission).

Conditions:
Kabuki syndrome. Also called: NIIKAWA-KUROKI SYNDROME; Kabuki make-up syndrome. Identifiers: Orphanet 2322, MedGen C0796004, MONDO:0016512.

gnomAD v4.1: 1 of 1,613,646 alleles (0.000062%); highest among the groups gnomAD compares: African/African-American, 0.0013%; no homozygotes.

Submission:

Labcorp Genetics (formerly Invitae), Labcorp
Classification: Uncertain significance for Kabuki syndrome. Last evaluated: 2023-07-19. Review status: criteria provided, single submitter. Criteria: Invitae Variant Classification Sherloc (09022015). Collection method: clinical testing. Allele origin: germline.
Comment: In summary, the available evidence is currently insufficient to determine the role of this variant in disease. Therefore, it has been classified as a Variant of Uncertain Significance. This sequence change replaces glycine, which is neutral and non-polar, with valine, which is neutral and non-polar, at codon 2764 of the KMT2D protein (p.Gly2764Val). This variant is not present in population databases (gnomAD no frequency). This variant has not been reported in the literature in individuals affected with KMT2D-related conditions. Advanced modeling of protein sequence and biophysical properties (such as structural, functional, and spatial information, amino acid conservation, physicochemical variation, residue mobility, and thermodynamic stability) performed at Invitae indicates that this missense variant is not expected to disrupt KMT2D protein function.